The following is an entry in ClinVar:

NM_007294.4(BRCA1):c.4948A>C (p.Met1650Leu)

Gene: BRCA1 (BRCA1 DNA repair associated; minus strand). Cytogenetic location: 17q21.31.
Variant type: single nucleotide variant.
Coding change: c.4948A>C on transcript NM_007294.4 (MANE Select); coding-DNA position 4948, A replaced by C.
Protein change: p.Met1650Leu; replaces methionine 1650 with leucine.
Molecular consequence: missense variant. On other transcripts: non-coding transcript variant (1).
Genome position (GRCh38, 1-based): chr17:43,070,966, T>G on the plus strand (A>C on the coding strand, the complement: BRCA1 is on the minus strand). VCF-style: chr17-43070966-T-G. GRCh37 (hg19) VCF-style: chr17-41222983-T-G.
Other names: c.4735A>C, p.Met1579Leu (NM_001407571.1, NM_001407897.1, NM_001407898.1 and 12 more transcripts); c.5014A>C, p.Met1672Leu (NM_001407581.1, NM_001407582.1); c.5011A>C, p.Met1671Leu (NM_001407583.1, NM_001407585.1, NM_001407587.1 and 1 more transcripts); c.5008A>C, p.Met1670Leu (NM_001407590.1, NM_001407591.1); c.4948A>C, p.Met1650Leu (NM_001407593.1, NM_001407594.1, NM_001407596.1 and 8 more transcripts); c.4945A>C, p.Met1649Leu (NM_001407610.1, NM_001407611.1, NM_001407612.1 and 17 more transcripts); c.4942A>C, p.Met1648Leu (NM_001407627.1, NM_001407628.1, NM_001407629.1 and 14 more transcripts); c.4936A>C, p.Met1646Leu (NM_001407646.1); and 70 more; short protein forms M1671L, M1650L, M546L, M1603L, M1353L, M1522L, M1537L, M1538L.
Identifiers: ClinVar variation 868870 (VCV000868870.3), dbSNP rs1567774493, ClinGen allele CA10591628.

Conditions:
Breast-ovarian cancer, familial, susceptibility to, 1 (BROVCA1). Also called: BRCA1 Hereditary Breast and Ovarian Cancer; OVARIAN CANCER, SUSCEPTIBILITY TO. Identifiers: Orphanet 145, MedGen C2676676, MONDO:0011450, OMIM 604370. Disease mechanism: loss of function.

Submission:

Brotman Baty Institute, University of Washington
No classification provided (evidence only). Condition: Breast-ovarian cancer, familial 1. Review status: no classification provided. Collection method: in vitro. Allele origin: not applicable. Functional consequence: functionally_normal.
ClinVar note: "not provided" was previously submitted as the classification for the variant. However, the classification appeared to be based only on an observation of functional data so it was converted to no classification on 2025-07-30.